The following is an entry in ClinVar:

ClinVar aggregate classification (germline): Benign (1 of 4 stars; one submission).

Allele frequency attached by ClinVar (database versions not stated): 1000 Genomes Project 30x 0.55325; TOPMed 0.55390; 1000 Genomes Project 0.55551; gnomAD 0.57223 and 0.57480.
gnomAD v4.1: 87,315 of 152,166 alleles (57%); highest among the groups gnomAD compares: South Asian, 63%; 25,492 homozygotes.

Submission:

GeneDx
Classification: Benign. Last evaluated: 2018-06-19. Review status: criteria provided, single submitter. Criteria: GeneDx Variant Classification (06012015). Collection method: clinical testing. Allele origin: germline. Affected: yes.
Comment: This variant is considered likely benign or benign based on one or more of the following criteria: it is a conservative change, it occurs at a poorly conserved position in the protein, it is predicted to be benign by multiple in silico algorithms, and/or has population frequency not consistent with disease.

NM_014874.4(MFN2):c.1160+201C>G

Gene: MFN2 (mitofusin 2; plus strand). Cytogenetic location: 1p36.22.
Variant type: single nucleotide variant.
Coding change: c.1160+201C>G on transcript NM_014874.4 (MANE Select); 201 bases into the intron after coding-DNA position 1160, C replaced by G.
Molecular consequence: intron variant.
Genome position (GRCh38, 1-based): chr1:12,002,304, C>G. VCF-style: chr1-12002304-C-G. GRCh37 (hg19) VCF-style: chr1-12062361-C-G.
Other names: c.1160+201C>G (NM_001127660.2).
Identifiers: ClinVar variation 683181 (VCV000683181.1), dbSNP rs2236058, ClinGen allele CA10763273.
Genomic context (GRCh38, chr1:12,002,304, plus strand): 5'-GACCATGTTAGAACCACATAGACAGCCTGGTGAGGAGGGCGGCTGGGTGCTTCATCACCC[C>G]ACCTGGTCTGTGCAGCACGATTCCCTGTGTTGGAGGTCTTGGCCCATGCCCTGCTGAGCT-3'